The following is an entry in ClinVar:

NM_032730.5(RTN4IP1):c.751G>C (p.Asp251His)

Gene: RTN4IP1 (reticulon 4 interacting protein 1; minus strand). Cytogenetic location: 6q21.
Variant type: single nucleotide variant.
Coding change: c.751G>C on transcript NM_032730.5 (MANE Select); coding-DNA position 751, G replaced by C.
Protein change: p.Asp251His; replaces aspartic acid 251 with histidine.
Molecular consequence: missense variant.
Genome position (GRCh38, 1-based): chr6:106,592,219, C>G on the plus strand (G>C on the coding strand, the complement: RTN4IP1 is on the minus strand). VCF-style: chr6-106592219-C-G. GRCh37 (hg19) VCF-style: chr6-107040094-C-G.
Other names: c.451G>C, p.Asp151His (NM_001318746.1); short protein forms D151H, D251H.
Identifiers: ClinVar variation 1716240 (VCV001716240.5), dbSNP rs1193224747, ClinGen allele CA365156455.

ClinVar aggregate classification (germline): Uncertain significance (1 of 4 stars; one submission).

gnomAD v4.1: 1 of 1,614,110 alleles (0.000062%); highest among the groups gnomAD compares: African/African-American, 0.0013%; no homozygotes.

Submission:

Labcorp Genetics (formerly Invitae), Labcorp
Classification: Uncertain significance. Last evaluated: 2022-07-16. Review status: criteria provided, single submitter. Criteria: Invitae Variant Classification Sherloc (09022015). Collection method: clinical testing. Allele origin: germline.
Comment: This sequence change replaces aspartic acid, which is acidic and polar, with histidine, which is basic and polar, at codon 251 of the RTN4IP1 protein (p.Asp251His). This variant is not present in population databases (gnomAD no frequency). This variant has not been reported in the literature in individuals affected with RTN4IP1-related conditions. Algorithms developed to predict the effect of missense changes on protein structure and function (SIFT, PolyPhen-2, Align-GVGD) all suggest that this variant is likely to be tolerated. In summary, the available evidence is currently insufficient to determine the role of this variant in disease. Therefore, it has been classified as a Variant of Uncertain Significance.